The following is an entry in ClinVar:

NM_014874.4(MFN2):c.1873-4G>C

Gene: MFN2 (mitofusin 2; plus strand). Cytogenetic location: 1p36.22.
Variant type: single nucleotide variant.
Coding change: c.1873-4G>C on transcript NM_014874.4 (MANE Select); 4 bases into the intron before coding-DNA position 1873, G replaced by C.
Molecular consequence: intron variant.
Genome position (GRCh38, 1-based): chr1:12,007,049, G>C. VCF-style: chr1-12007049-G-C. GRCh37 (hg19) VCF-style: chr1-12067106-G-C.
Other names: c.1873-4G>C (NM_001127660.2).
Identifiers: ClinVar variation 509922 (VCV000509922.12), dbSNP rs369338141, ClinGen allele CA599265.
Genomic context (GRCh38, chr1:12,007,049, plus strand): 5'-ATGGGCCCCAGAGGAGGGTGGGCCACAGAGAGGCTGCACTCCAGGCTGACCATGTGCTCT[G>C]CAGGTGTGGAAGGCAGTGGGCTGGCGGCTCATTGCCCTCTCCTTTGGGCTCTATGGCCTC-3'

ClinVar aggregate classification (germline): Likely benign. Review status: criteria provided, multiple submitters, no conflicts (2 of 4 stars). 4 submissions from 4 submitters: Likely benign (4). Last evaluated 2024-11-12.

Conditions:
Charcot-Marie-Tooth disease type 2. Also called: Charcot-Marie-Tooth type 2. Identifiers: Orphanet 64746, MedGen C0270914, MONDO:0018993.

Allele frequency attached by ClinVar (database versions not stated): ExAC 0.00001; gnomAD 0.00002; TOPMed 0.00002; ESP Exome Variant Server 0.00008.
gnomAD v4.1: 32 of 1,613,238 alleles (0.002%); highest among the groups gnomAD compares: African/African-American, 0.004%; no homozygotes.

Submissions (4):

Labcorp Genetics (formerly Invitae), Labcorp
Classification: Likely benign for Charcot-Marie-Tooth disease type 2. Last evaluated: 2024-11-12. Review status: criteria provided, single submitter. Criteria: Invitae Variant Classification Sherloc (09022015). Collection method: clinical testing. Allele origin: germline.

Athena Diagnostics
Classification: Likely benign. Last evaluated: 2024-05-07. Review status: criteria provided, single submitter. Criteria: Athena Diagnostics Criteria. Collection method: clinical testing. Allele origin: unknown.

Blueprint Genetics
Classification: Likely benign. Last evaluated: 2024-01-29. Review status: criteria provided, single submitter. Criteria: ACMG Guidelines, 2015. Collection method: clinical testing. Allele origin: germline.

GeneDx
Classification: Likely benign. Last evaluated: 2017-06-01. Review status: criteria provided, single submitter. Criteria: GeneDx Variant Classification (06012015). Collection method: clinical testing. Allele origin: germline. Affected: yes.
Comment: This variant is considered likely benign or benign based on one or more of the following criteria: it is a conservative change, it occurs at a poorly conserved position in the protein, it is predicted to be benign by multiple in silico algorithms, and/or has population frequency not consistent with disease.